The following is an entry in ClinVar:

ClinVar aggregate classification (germline): Uncertain significance (1 of 4 stars; one submission).

Conditions:
Hereditary diffuse gastric adenocarcinoma (HDGC). Also called: DIFFUSE GASTRIC AND LOBULAR BREAST CANCER SYNDROME. Identifiers: Orphanet 26106, MedGen C1708349, MONDO:0007648, OMIM 137215.

Submission:

Labcorp Genetics (formerly Invitae), Labcorp
Classification: Uncertain significance for Hereditary diffuse gastric adenocarcinoma. Last evaluated: 2019-12-26. Review status: criteria provided, single submitter. Criteria: Invitae Variant Classification Sherloc (09022015). Collection method: clinical testing. Allele origin: germline.
Comment: In summary, the available evidence is currently insufficient to determine the role of this variant in disease. Therefore, it has been classified as a Variant of Uncertain Significance. Algorithms developed to predict the effect of missense changes on protein structure and function output the following: SIFT: "Tolerated"; PolyPhen-2: "Benign"; Align-GVGD: "Class C0". The valine amino acid residue is found in multiple mammalian species, suggesting that this missense change does not adversely affect protein function. These predictions have not been confirmed by published functional studies and their clinical significance is uncertain. This variant has not been reported in the literature in individuals with CDH1-related conditions. This variant is not present in population databases (ExAC no frequency). This sequence change replaces alanine with valine at codon 692 of the CDH1 protein (p.Ala692Val). The alanine residue is weakly conserved and there is a small physicochemical difference between alanine and valine.

NM_004360.5(CDH1):c.2075C>T (p.Ala692Val)

Gene: CDH1 (cadherin 1; plus strand). Cytogenetic location: 16q22.1.
Variant type: single nucleotide variant.
Coding change: c.2075C>T on transcript NM_004360.5 (MANE Select); coding-DNA position 2075, C replaced by T.
Protein change: p.Ala692Val; replaces alanine 692 with valine.
Molecular consequence: missense variant.
Genome position (GRCh38, 1-based): chr16:68,823,537, C>T. VCF-style: chr16-68823537-C-T. GRCh37 (hg19) VCF-style: chr16-68857440-C-T.
Other names: c.1892C>T, p.Ala631Val (NM_001317184.2); c.527C>T, p.Ala176Val (NM_001317185.2); c.110C>T, p.Ala37Val (NM_001317186.2); short protein forms A37V, A692V, A176V, A631V.
Identifiers: ClinVar variation 849231 (VCV000849231.11), dbSNP rs1961232395, ClinGen allele CA396467803.
Genomic context (GRCh38, chr16:68,823,537, plus strand): 5'-ACCAGAATAAAGACCAAGTGACCACCTTAGAGGTCAGCGTGTGTGACTGTGAAGGGGCCG[C>T]TGGCGTCTGTAGGAAGGCACAGCCTGTCGAAGCAGGATTGCAAATTCCTGCCATTCTGGG-3'
Protein context (NP_004351.1, residues 682-702): EVSVCDCEGA[Ala692Val]GVCRKAQPVE